The following is an entry in ClinVar:

NM_006031.6(PCNT):c.7913+9G>C

Gene: PCNT (pericentrin; plus strand). Cytogenetic location: 21q22.3.
Variant type: single nucleotide variant.
Coding change: c.7913+9G>C on transcript NM_006031.6 (MANE Select); 9 bases into the intron after coding-DNA position 7913, G replaced by C.
Molecular consequence: intron variant.
Genome position (GRCh38, 1-based): chr21:46,430,241, G>C. VCF-style: chr21-46430241-G-C. GRCh37 (hg19) VCF-style: chr21-47850155-G-C.
Other names: c.7559+9G>C (NM_001315529.2).
Identifiers: ClinVar variation 138608 (VCV000138608.17), dbSNP rs1023160, ClinGen allele CA173112.

ClinVar aggregate classification (germline): Benign. Review status: criteria provided, multiple submitters, no conflicts (2 of 4 stars). 5 submissions from 5 submitters: Benign (5). Last evaluated 2026-02-04.

Conditions:
Microcephalic osteodysplastic primordial dwarfism type II (MOPD2). Also called: Microcephalic osteodysplastic primordial dwarfism with tooth abnormalities; OSTEODYSPLASTIC PRIMORDIAL DWARFISM, TYPE II; MOPD II. Identifiers: Orphanet 2637, MedGen C0432246, MONDO:0008872, OMIM 210720.

Allele frequency attached by ClinVar (database versions not stated): gnomAD exomes 0.09583; ExAC 0.11025; gnomAD 0.17939 and 0.18804; 1000 Genomes Project 0.18011; 1000 Genomes Project 30x 0.18707; TOPMed 0.18861; ESP Exome Variant Server 0.19906.
gnomAD v4.1: 146,035 of 1,608,684 alleles (9.1%); highest among the groups gnomAD compares: African/African-American, 45%; 12,242 homozygotes.

Submissions (5):

Labcorp Genetics (formerly Invitae), Labcorp
Classification: Benign. Last evaluated: 2026-02-04. Review status: criteria provided, single submitter. Criteria: Invitae Variant Classification Sherloc (09022015). Collection method: clinical testing. Allele origin: germline.

Illumina Laboratory Services, Illumina
Classification: Benign for Microcephalic osteodysplastic primordial dwarfism type II. Last evaluated: 2018-01-13. Review status: criteria provided, single submitter. Criteria: ICSL Variant Classification Criteria 13 December 2019. Collection method: clinical testing. Allele origin: germline.
Comment: This variant was observed in the ICSL laboratory as part of a predisposition screen in an ostensibly healthy population. It had not been previously curated by ICSL or reported in the Human Gene Mutation Database (HGMD: prior to June 1st, 2018), and was therefore a candidate for classification through an automated scoring system. Utilizing variant allele frequency, disease prevalence and penetrance estimates, and inheritance mode, an automated score was calculated to assess if this variant is too frequent to cause the disease. Based on the score and internal cut-off values, a variant classified as benign is not then subjected to further curation. The score for this variant resulted in a classification of benign for this disease.

GeneDx
Classification: Benign. Last evaluated: 2014-02-26. Review status: criteria provided, single submitter. Criteria: GeneDx Variant Classification (06012015). Collection method: clinical testing. Allele origin: germline. Affected: yes.
Comment: This variant is considered likely benign or benign based on one or more of the following criteria: it is a conservative change, it occurs at a poorly conserved position in the protein, it is predicted to be benign by multiple in silico algorithms, and/or has population frequency not consistent with disease.

Genetic Services Laboratory, University of Chicago
Classification: Benign. Last evaluated: 2013-02-08. Review status: criteria provided, single submitter. Criteria: ACMG Guidelines, 2007. Collection method: clinical testing. Allele origin: germline. Inheritance: Autosomal recessive inheritance.

Breakthrough Genomics
Classification: Benign. Review status: criteria provided, single submitter. Criteria: ACMG Guidelines, 2015. Collection method: not provided. Allele origin: germline. Inheritance: Autosomal recessive inheritance. Affected: yes.